The following is an entry in ClinVar:

NM_001042492.3(NF1):c.7898A>T (p.Glu2633Val)

Gene: NF1 (neurofibromin 1; plus strand). Cytogenetic location: 17q11.2.
Variant type: single nucleotide variant.
Coding change: c.7898A>T on transcript NM_001042492.3 (MANE Select); coding-DNA position 7898, A replaced by T.
Protein change: p.Glu2633Val; replaces glutamic acid 2633 with valine.
Molecular consequence: missense variant.
Genome position (GRCh38, 1-based): chr17:31,357,297, A>T. VCF-style: chr17-31357297-A-T. GRCh37 (hg19) VCF-style: chr17-29684315-A-T.
Other names: c.7835A>T, p.Glu2612Val (NM_000267.4); short protein forms E2633V, E2612V.
Identifiers: ClinVar variation 1760821 (VCV001760821.2), dbSNP rs2151583239, ClinGen allele CA399203412.

ClinVar aggregate classification (germline): Uncertain significance (1 of 4 stars; one submission).

Conditions:
Hereditary cancer-predisposing syndrome. Also called: Neoplastic Syndromes, Hereditary; Tumor predisposition; Hereditary Cancer Syndrome; Hereditary neoplastic syndrome. Identifiers: Orphanet 140162, MedGen C0027672, MeSH D009386, MONDO:0015356.
Cardiovascular phenotype. Identifiers: MedGen CN230736.

Submission:

Ambry Genetics
Classification: Uncertain significance for Cardiovascular phenotype; Hereditary cancer-predisposing syndrome. Last evaluated: 2021-04-29. Review status: criteria provided, single submitter. Criteria: Ambry Variant Classification Scheme 2023. Collection method: clinical testing. Allele origin: germline.
Comment: The p.E2612V variant (also known as c.7835A>T), located in coding exon 53 of the NF1 gene, results from an A to T substitution at nucleotide position 7835. The glutamic acid at codon 2612 is replaced by valine, an amino acid with dissimilar properties. This amino acid position is well conserved in available vertebrate species. In addition, the in silico prediction for this alteration is inconclusive. Since supporting evidence is limited at this time, the clinical significance of this alteration remains unclear.